The following is an entry in ClinVar:

ClinVar aggregate classification (germline): Uncertain significance (1 of 4 stars; one submission).

Conditions:
Hereditary cancer-predisposing syndrome. Also called: Neoplastic Syndromes, Hereditary; Tumor predisposition; Hereditary neoplastic syndrome; Hereditary Cancer Syndrome. Identifiers: Orphanet 140162, MedGen C0027672, MeSH D009386, MONDO:0015356.

Submission:

Ambry Genetics
Classification: Uncertain significance for Hereditary cancer-predisposing syndrome. Last evaluated: 2023-03-05. Review status: criteria provided, single submitter. Criteria: Ambry Variant Classification Scheme 2023. Collection method: clinical testing. Allele origin: germline.
Comment: The p.N268D variant (also known as c.802A>G), located in coding exon 3 of the BLM gene, results from an A to G substitution at nucleotide position 802. The asparagine at codon 268 is replaced by aspartic acid, an amino acid with highly similar properties. This amino acid position is conserved. In addition, this alteration is predicted to be tolerated by in silico analysis. Since supporting evidence is limited at this time, the clinical significance of this alteration remains unclear.

NM_000057.4(BLM):c.802A>G (p.Asn268Asp)

Gene: BLM (BLM RecQ like helicase; plus strand). Cytogenetic location: 15q26.1.
Variant type: single nucleotide variant.
Coding change: c.802A>G on transcript NM_000057.4 (MANE Select); coding-DNA position 802, A replaced by G.
Protein change: p.Asn268Asp; replaces asparagine 268 with aspartic acid.
Molecular consequence: missense variant. On other transcripts: 5 prime UTR variant (1).
Genome position (GRCh38, 1-based): chr15:90,751,789, A>G. VCF-style: chr15-90751789-A-G. GRCh37 (hg19) VCF-style: chr15-91295019-A-G.
Other names: c.802A>G, p.Asn268Asp (NM_001287246.2, NM_001287247.2); c.-490A>G (NM_001287248.2); short protein forms N268D.
Identifiers: ClinVar variation 2452576 (VCV002452576.2), dbSNP rs2505399437, ClinGen allele CA393841611.